The following is an entry in ClinVar:

ClinVar aggregate classification (germline): Conflicting classifications of pathogenicity. Review status: criteria provided, conflicting classifications (1 of 4 stars). 21 submissions from 21 submitters: Uncertain significance (1); Benign (9); Likely benign (5). 6 of the submissions do not count toward it. Last evaluated 2026-09-01.

Conditions:
Cardiovascular phenotype. Identifiers: MedGen CN230736.
Cholestanol storage disease (CTX). Also called: Cerebrotendinous Xanthomatosis; CEREBRAL CHOLESTERINOSIS; CTX: Cerebrotendinous xanthomatosis. Identifiers: Orphanet 909, MedGen C0238052, MONDO:0008948, OMIM 213700.

Allele frequency attached by ClinVar (database versions not stated): gnomAD 0.01532 and 0.01478; ESP Exome Variant Server 0.01853; ExAC 0.01878; gnomAD exomes 0.01898; 1000 Genomes Project 0.00859; 1000 Genomes Project 30x 0.00874; TOPMed 0.01512.
gnomAD v4.1: 32,985 of 1,614,226 alleles (2%); highest among the groups gnomAD compares: South Asian, 3.2%; 436 homozygotes.

Submissions (21):

CeGaT Center for Human Genetics Tuebingen
Classification: Benign. Last evaluated: 2026-09-01. Review status: criteria provided, single submitter. Criteria: CeGaT Center For Human Genetics Tuebingen Variant Classification Criteria Version 2. Collection method: clinical testing. Allele origin: germline. Affected: yes. Observed: 17 variant alleles.
Comment: CYP27A1: BS1, BS2

Labcorp Genetics (formerly Invitae), Labcorp
Classification: Benign for Cholestanol storage disease. Last evaluated: 2026-02-04. Review status: criteria provided, single submitter. Criteria: Invitae Variant Classification Sherloc (09022015). Collection method: clinical testing. Allele origin: germline.

Laboratory of Genetics, Children's Clinical University Hospital Latvia
Classification: Likely benign. Last evaluated: 2025-02-16. Review status: criteria provided, single submitter. Criteria: ACMG Guidelines, 2015. Collection method: clinical testing. Allele origin: germline. Affected: yes.

Mayo Clinic Laboratories, Mayo Clinic
Classification: Benign. Last evaluated: 2023-12-06. Review status: criteria provided, single submitter. Criteria: ACMG Guidelines, 2015. Collection method: clinical testing. Allele origin: germline. Observed: 173 variant alleles.
Comment: BA1, BS1

Women's Health and Genetics/Laboratory Corporation of America, LabCorp
Classification: Likely benign. Last evaluated: 2021-12-10. Review status: criteria provided, single submitter. Criteria: LabCorp Variant Classification Summary - May 2015. Collection method: clinical testing. Allele origin: germline.

Pars Genome Lab
Classification: Benign for Cholestanol storage disease. Last evaluated: 2021-05-18. Review status: criteria provided, single submitter. Criteria: ACMG Guidelines, 2015. Collection method: clinical testing. Allele origin: germline. Affected: no.

Ambry Genetics
Classification: Benign for Cardiovascular phenotype. Last evaluated: 2020-10-05. Review status: criteria provided, single submitter. Criteria: Ambry Variant Classification Scheme 2023. Collection method: clinical testing. Allele origin: germline.

Mendelics
Classification: Likely benign for Cholestanol storage disease. Last evaluated: 2019-05-28. Review status: criteria provided, single submitter. Criteria: Mendelics Assertion Criteria 2017. Collection method: clinical testing. Allele origin: unknown.

Athena Diagnostics
Classification: Benign. Last evaluated: 2017-07-03. Review status: criteria provided, single submitter. Criteria: Athena Diagnostics Criteria. Collection method: clinical testing. Allele origin: germline.

Illumina Laboratory Services, Illumina
Classification: Uncertain significance for Cholestanol storage disease. Last evaluated: 2017-04-27. Review status: criteria provided, single submitter. Criteria: ICSL Variant Classification Criteria 13 December 2019. Collection method: clinical testing. Allele origin: germline.
Comment: This variant was observed as part of a predisposition screen in an ostensibly healthy population. A literature search was performed for the gene, cDNA change, and amino acid change (where applicable). Publications were found based on this search. However, the evidence from the literature, in combination with allele frequency data from public databases where available, was not sufficient to rule this variant in or out of causing disease. Therefore, this variant is classified as a variant of unknown significance.

GeneDx
Classification: Benign. Last evaluated: 2016-10-27. Review status: criteria provided, single submitter. Criteria: GeneDx Variant Classification (06012015). Collection method: clinical testing. Allele origin: germline. Affected: yes.
Comment: This variant is considered likely benign or benign based on one or more of the following criteria: it is a conservative change, it occurs at a poorly conserved position in the protein, it is predicted to be benign by multiple in silico algorithms, and/or has population frequency not consistent with disease.

Laboratory for Molecular Medicine, Mass General Brigham Personalized Medicine
Classification: Likely benign. Last evaluated: 2016-03-28. Review status: criteria provided, single submitter. Criteria: LMM Criteria. Collection method: clinical testing. Allele origin: germline.
Comment: Variant identified in a genome or exome case(s) and assessed due to predicted null impact of the variant or pathogenic assertions in the literature or databases. Disclaimer: This variant has not undergone full assessment. The following are preliminary notes: Frequency in ESP(all): 241/13006=1.8%

Eurofins Ntd Llc (ga)
Classification: Benign. Last evaluated: 2014-12-12. Review status: criteria provided, single submitter. Criteria: EGL Classification Definitions 2015. Collection method: clinical testing. Allele origin: germline. Observed: 2 variant alleles, 2 heterozygotes.

Broad Center for Mendelian Genomics, Broad Institute of MIT and Harvard
Classification: Benign for Cholestanol storage disease. Review status: criteria provided, single submitter. Criteria: ACMG Guidelines, 2015. Collection method: research. Allele origin: germline. Inheritance: Autosomal recessive inheritance. Affected: yes.
Comment: The heterozygous p.Pro384Leu variant in CYP27A1 has been identified in 4 individuals with cerebrotendinous xanthomatosis in cis with a frameshift mutation upstream of the variant (PMID: 10775536), and has also been identified in >3% of South Asian chromosomes and 37 total homozygotes by ExAC. In summary, this variant meets criteria to be classified as benign for cerebrotendinous xanthomatosis.

PreventionGenetics, part of Exact Sciences
Classification: Likely benign. Review status: criteria provided, single submitter. Criteria: ACMG Guidelines, 2015. Collection method: clinical testing. Allele origin: germline.

Natera, Inc.
Classification: Benign for Cerebrotendinous xanthomatosis. Last evaluated: 2019-11-01. Review status: no assertion criteria provided. Collection method: clinical testing. Allele origin: germline. Not counted in ClinVar's aggregate classification.

GeneReviews
Classification: Pathogenic for Cerebrotendinous Xanthomatosis. Last evaluated: 2013-08-01. Review status: no assertion criteria provided. Collection method: curation. Allele origin: unknown. Not counted in ClinVar's aggregate classification.
ClinVar note: Converted during submission from pathologic to Pathogenic.

Clinical Genetics, Academic Medical Center
Classification: Likely benign. Review status: no assertion criteria provided. Collection method: clinical testing. Allele origin: germline. Affected: yes. Study: VKGL Data-share Consensus. Not counted in ClinVar's aggregate classification.

Diagnostic Laboratory, Department of Genetics, University Medical Center Groningen
Classification: Likely benign. Review status: no assertion criteria provided. Collection method: clinical testing. Allele origin: germline. Affected: yes. Study: VKGL Data-share Consensus. Not counted in ClinVar's aggregate classification.

Genome Diagnostics Laboratory, University Medical Center Utrecht
Classification: Likely benign. Review status: no assertion criteria provided. Collection method: clinical testing. Allele origin: germline. Affected: yes. Study: VKGL Data-share Consensus. Not counted in ClinVar's aggregate classification.

Laboratory of Diagnostic Genome Analysis, Leiden University Medical Center (LUMC)
Classification: Likely benign. Review status: no assertion criteria provided. Collection method: clinical testing. Allele origin: germline. Affected: yes. Study: VKGL Data-share Consensus. Not counted in ClinVar's aggregate classification.

Literature cited by the submitters: PubMed 21228398 (cited by Athena Diagnostics); PubMed 24080357 (cited by Athena Diagnostics and Eurofins Ntd Llc (ga)); PubMed 27535533 (cited by Athena Diagnostics); PubMed 19204079 (cited by Athena Diagnostics); PubMed 26643207 (cited by Athena Diagnostics); PubMed 10775536 (cited by Athena Diagnostics and Illumina Laboratory Services, Illumina); PubMed 20981092 (cited by Athena Diagnostics); PubMed 27884173 (cited by Athena Diagnostics); PubMed 24174808 (cited by Athena Diagnostics).

NM_000784.4(CYP27A1):c.1151C>T (p.Pro384Leu)

Gene: CYP27A1 (cytochrome P450 family 27 subfamily A member 1; plus strand). Cytogenetic location: 2q35.
Variant type: single nucleotide variant.
Coding change: c.1151C>T on transcript NM_000784.4 (MANE Select); coding-DNA position 1151, C replaced by T.
Protein change: p.Pro384Leu; replaces proline 384 with leucine.
Molecular consequence: missense variant.
Genome position (GRCh38, 1-based): chr2:218,814,154, C>T. VCF-style: chr2-218814154-C-T. GRCh37 (hg19) VCF-style: chr2-219678877-C-T.
Other names: c.1151C>T; short protein forms P384L.
Identifiers: ClinVar variation 65831 (VCV000065831.45), dbSNP rs41272687, ClinGen allele CA203235.